The following is an entry in ClinVar:

NM_007294.4(BRCA1):c.4923T>G (p.Ala1641=)

Gene: BRCA1 (BRCA1 DNA repair associated; minus strand). Cytogenetic location: 17q21.31.
Variant type: single nucleotide variant.
Coding change: c.4923T>G on transcript NM_007294.4 (MANE Select); coding-DNA position 4923, T replaced by G.
Protein change: p.Ala1641=; no amino-acid change (alanine 1641 retained).
Molecular consequence: synonymous variant. On other transcripts: intron variant (1).
Genome position (GRCh38, 1-based): chr17:43,070,991, A>C on the plus strand (T>G on the coding strand, the complement: BRCA1 is on the minus strand). VCF-style: chr17-43070991-A-C. GRCh37 (hg19) VCF-style: chr17-41223008-A-C.
Other names: c.4710T>G, p.Ala1570= (NM_001407571.1, NM_001407894.1, NM_001407895.1 and 12 more transcripts); c.4989T>G, p.Ala1663= (NM_001407581.1, NM_001407582.1); c.4986T>G, p.Ala1662= (NM_001407583.1, NM_001407585.1, NM_001407587.1 and 1 more transcripts); c.4983T>G, p.Ala1661= (NM_001407590.1, NM_001407591.1); c.4923T>G, p.Ala1641= (NM_001407593.1, NM_001407594.1, NM_001407596.1 and 8 more transcripts); c.4920T>G, p.Ala1640= (NM_001407610.1, NM_001407611.1, NM_001407612.1 and 17 more transcripts); c.4917T>G, p.Ala1639= (NM_001407627.1, NM_001407628.1, NM_001407629.1 and 14 more transcripts); c.4914T>G, p.Ala1638= (NM_001407644.1, NM_001407645.1); and 71 more.
Identifiers: ClinVar variation 229900 (VCV000229900.13), dbSNP rs876658258, ClinGen allele CA10580505.

ClinVar aggregate classification (germline): Likely benign. Review status: reviewed by expert panel (3 of 4 stars). 3 submissions from 3 submitters: Likely benign (1). 2 of the submissions do not count toward it. Last evaluated 2017-06-29.

Conditions:
Hereditary breast ovarian cancer syndrome. Also called: Breast and ovarian cancer; Hereditary breast and ovarian cancer; Hereditary breast and ovarian cancer syndrome; Hereditary breast and/or ovarian cancer syndrome; BRCA1- and BRCA2-Associated Hereditary Breast and Ovarian Cancer; Hereditary breast and ovarian cancer syndrome (HBOC). Identifiers: Orphanet 145, MedGen C0677776, MeSH D061325, MONDO:0003582. Disease mechanism: loss of function.
Breast-ovarian cancer, familial, susceptibility to, 1 (BROVCA1). Also called: BRCA1 Hereditary Breast and Ovarian Cancer; OVARIAN CANCER, SUSCEPTIBILITY TO. Identifiers: Orphanet 145, MedGen C2676676, MONDO:0011450, OMIM 604370. Disease mechanism: loss of function.
Hereditary cancer-predisposing syndrome. Also called: Tumor predisposition; Hereditary Cancer Syndrome; Neoplastic Syndromes, Hereditary; Hereditary neoplastic syndrome. Identifiers: Orphanet 140162, MedGen C0027672, MeSH D009386, MONDO:0015356.

Allele frequency attached by ClinVar (database versions not stated): gnomAD exomes below 0.00001.
gnomAD v4.1: 1 of 1,614,230 alleles (0.000062%); no homozygotes.

Submissions (4):

Evidence-based Network for the Interpretation of Germline Mutant Alleles (ENIGMA)
Classification: Likely benign for Breast-ovarian cancer, familial, susceptibility to, 1. Last evaluated: 2017-06-29. Review status: reviewed by expert panel. Criteria: ENIGMA BRCA1/2 Classification Criteria (2017-06-29). Collection method: curation. Allele origin: germline.
Comment: Synonymous substitution variant, with low bioinformatic likelihood to result in a splicing aberration (Splicing prior probability 0.02).

Labcorp Genetics (formerly Invitae), Labcorp
Classification: Likely benign for Hereditary breast ovarian cancer syndrome. Last evaluated: 2022-10-11. Review status: criteria provided, single submitter. Criteria: Invitae Variant Classification Sherloc (09022015). Collection method: clinical testing. Allele origin: germline. Not counted in ClinVar's aggregate classification.

Ambry Genetics
Classification: Likely benign for Hereditary cancer-predisposing syndrome. Last evaluated: 2015-01-07. Review status: criteria provided, single submitter. Criteria: Ambry Autosomal Dominant and X-Linked criteria (10/2015). Collection method: clinical testing. Allele origin: germline. Observed: 1 variant allele. Not counted in ClinVar's aggregate classification.

Brotman Baty Institute, University of Washington
No classification provided (evidence only). Condition: Breast-ovarian cancer, familial 1. Review status: no classification provided. Collection method: in vitro. Allele origin: not applicable. Functional consequence: functionally_normal. Not counted in ClinVar's aggregate classification.
ClinVar note: "not provided" was previously submitted as the classification for the variant. However, the classification appeared to be based only on an observation of functional data so it was converted to no classification on 2025-07-30.